The following is an entry in ClinVar:

NM_147127.5(EVC2):c.2757G>T (p.Glu919Asp)

Gene: EVC2 (EvC ciliary complex subunit 2; minus strand). Cytogenetic location: 4p16.2.
Variant type: single nucleotide variant.
Coding change: c.2757G>T on transcript NM_147127.5 (MANE Select); coding-DNA position 2757, G replaced by T.
Protein change: p.Glu919Asp; replaces glutamic acid 919 with aspartic acid.
Molecular consequence: missense variant.
Genome position (GRCh38, 1-based): chr4:5,615,494, C>A on the plus strand (G>T on the coding strand, the complement: EVC2 is on the minus strand). VCF-style: chr4-5615494-C-A. GRCh37 (hg19) VCF-style: chr4-5617221-C-A.
Other names: c.2517G>T, p.Glu839Asp (NM_001166136.2); short protein forms E839D, E919D.
Identifiers: ClinVar variation 3757410 (VCV003757410.2).

ClinVar aggregate classification (germline): Uncertain significance (1 of 4 stars; one submission).

Conditions:
Curry-Hall syndrome (WAD). Also called: WEYERS ACRODENTAL DYSOSTOSIS. Identifiers: Orphanet 952, MedGen C0457013, MONDO:0008673, OMIM 193530.
Ellis-van Creveld syndrome (EVC). Also called: EVC-Related Ellis-van Creveld Syndrome; EVC2-Related Ellis-van Creveld Syndrome; MESOECTODERMAL DYSPLASIA; Chondroectodermal dysplasia. Identifiers: Orphanet 289, MedGen C0013903, MONDO:0009162, OMIM 225500.

Submission:

Labcorp Genetics (formerly Invitae), Labcorp
Classification: Uncertain significance for Curry-Hall syndrome; Ellis-van Creveld syndrome. Last evaluated: 2024-10-24. Review status: criteria provided, single submitter. Criteria: Invitae Variant Classification Sherloc (09022015). Collection method: clinical testing. Allele origin: germline.
Comment: This sequence change replaces glutamic acid, which is acidic and polar, with aspartic acid, which is acidic and polar, at codon 919 of the EVC2 protein (p.Glu919Asp). This variant is not present in population databases (gnomAD no frequency). This variant has not been reported in the literature in individuals affected with EVC2-related conditions. An algorithm developed to predict the effect of missense changes on protein structure and function outputs the following: PolyPhen-2: "Benign". The aspartic acid amino acid residue is found in multiple mammalian species, which suggests that this missense change does not adversely affect protein function. In summary, the available evidence is currently insufficient to determine the role of this variant in disease. Therefore, it has been classified as a Variant of Uncertain Significance.